The following is an entry in ClinVar:

NM_001042492.3(NF1):c.4193_4203del (p.Pro1398fs)

Gene: NF1 (neurofibromin 1; plus strand). Cytogenetic location: 17q11.2.
Variant type: Deletion.
Coding change: c.4193_4203del on transcript NM_001042492.3 (MANE Select); coding-DNA positions 4193 to 4203, 11 bases deleted (CTCAGAACAGC).
Protein change: p.Pro1398fs; shifts the reading frame from proline 1398.
Molecular consequence: frameshift variant.
Genome position (GRCh38, 1-based): chr17:31,258,363-31,258,373, CTCAGAACAGC deleted; deleting any 11 consecutive bases within chr17:31,258,362-31,258,373 gives the same sequence; the c. name uses the placement nearest the transcript's 3' end. VCF-style (leftmost placement, unchanged base first): chr17-31258361-CCCTCAGAACAG-C. GRCh37 (hg19) VCF-style: chr17-29585379-CCCTCAGAACAG-C.
Other names: c.4130_4140delCTCAGAACAGC, p.Pro1377Hisfs (NM_000267.4); short protein forms P1377fs, P1398fs.
Identifiers: ClinVar variation 2765660 (VCV002765660.3), dbSNP rs2508407905, ClinGen allele CA2697559738.
Genomic context (GRCh38, chr17:31,258,361, plus strand): 5'-TTAATTCAAACCTTATACTCAATTCTCAACTCCTTGTTTTTAGGTGGTTAGCCAGCGTTT[CCCTCAGAACAG>C]CATCGGTGCAGTAGGAAGTGCCATGTTCCTCAGATTTATCAATCCTGCCATTGTCTCACC-3'

ClinVar aggregate classification (germline): Pathogenic (1 of 4 stars; one submission).

Conditions:
Neurofibromatosis, type 1 (NF1). Also called: VON RECKLINGHAUSEN DISEASE; Neurofibromatosis, type I; NEUROFIBROMATOSIS, TYPE I, SOMATIC; Peripheral type neurofibromatosis. Identifiers: Orphanet 636, MedGen C0027831, MONDO:0018975, OMIM 162200. Disease mechanism: loss of function.

Submission:

Labcorp Genetics (formerly Invitae), Labcorp
Classification: Pathogenic for Neurofibromatosis, type 1. Last evaluated: 2023-10-05. Review status: criteria provided, single submitter. Criteria: Invitae Variant Classification Sherloc (09022015). Collection method: clinical testing. Allele origin: germline.
Comment: This sequence change creates a premature translational stop signal (p.Pro1377Hisfs*22) in the NF1 gene. It is expected to result in an absent or disrupted protein product. Loss-of-function variants in NF1 are known to be pathogenic (PMID: 10712197, 23913538). This variant is not present in population databases (gnomAD no frequency). This variant has not been reported in the literature in individuals affected with NF1-related conditions. For these reasons, this variant has been classified as Pathogenic.

Literature cited by the submitters: PubMed 10712197; PubMed 23913538.